The following is an entry in ClinVar:

NM_017641.3(KIF21A):c.-240G>C

Gene: KIF21A (kinesin family member 21A; minus strand). Cytogenetic location: 12q12.
Variant type: single nucleotide variant.
Coding change: c.-240G>C on transcript NM_017641.3; 240 bases upstream of the start codon, G replaced by C.
Genome position (GRCh38, 1-based): chr12:39,443,210, C>G on the plus strand (G>C on the coding strand, the complement: KIF21A is on the minus strand). VCF-style: chr12-39443210-C-G. GRCh37 (hg19) VCF-style: chr12-39837012-C-G.
Identifiers: ClinVar variation 882718 (VCV000882718.6), dbSNP rs562588358, ClinGen allele CA235858785.

ClinVar aggregate classification (germline): Benign (1 of 4 stars; one submission).

Conditions:
Congenital fibrosis of extraocular muscles type 1. Also called: CFEOM3B; BLEPHAROPTOSIS WITH ABSENT EYE MOVEMENTS; OPHTHALMOPLEGIA, CONGENITAL; FEOM1 LOCUS. Identifiers: MedGen C1851102, MONDO:0021083, OMIM 135700.

Allele frequency attached by ClinVar (database versions not stated): TOPMed 0.00093; 1000 Genomes Project 0.00160; gnomAD 0.00089; 1000 Genomes Project 30x 0.00125.

Submission:

Illumina Laboratory Services, Illumina
Classification: Benign for Congenital fibrosis of extraocular muscles type 1. Last evaluated: 2018-01-13. Review status: criteria provided, single submitter. Criteria: ICSL Variant Classification Criteria 13 December 2019. Collection method: clinical testing. Allele origin: germline.
Comment: This variant was observed in the ICSL laboratory as part of a predisposition screen in an ostensibly healthy population. It had not been previously curated by ICSL or reported in the Human Gene Mutation Database (HGMD: prior to June 1st, 2018), and was therefore a candidate for classification through an automated scoring system. Utilizing variant allele frequency, disease prevalence and penetrance estimates, and inheritance mode, an automated score was calculated to assess if this variant is too frequent to cause the disease. Based on the score and internal cut-off values, a variant classified as benign is not then subjected to further curation. The score for this variant resulted in a classification of benign for this disease.